The following is an entry in ClinVar:

NM_001312909.2(FAM111A):c.1463T>C (p.Ile488Thr)

Gene: FAM111A (FAM111 trypsin like peptidase A; plus strand). Cytogenetic location: 11q12.1.
Variant type: single nucleotide variant.
Coding change: c.1463T>C on transcript NM_001312909.2 (MANE Select); coding-DNA position 1463, T replaced by C.
Protein change: p.Ile488Thr; replaces isoleucine 488 with threonine.
Molecular consequence: missense variant.
Genome position (GRCh38, 1-based): chr11:59,153,131, T>C. VCF-style: chr11-59153131-T-C. GRCh37 (hg19) VCF-style: chr11-58920604-T-C.
Other names: c.1463T>C, p.Ile488Thr (NM_001142519.3, NM_001142520.3, NM_001142521.3 and 29 more transcripts); short protein forms I488T.
Identifiers: ClinVar variation 3731026 (VCV003731026.2).

ClinVar aggregate classification (germline): Uncertain significance. Review status: criteria provided, multiple submitters, no conflicts (2 of 4 stars). 2 submissions from 2 submitters: Uncertain significance (2). Last evaluated 2024-08-13.

Conditions:
Hypoparathyroidism. Identifiers: MedGen C0020626, MONDO:0001220, HP:0000829.

Submissions (2):

GeneDx
Classification: Uncertain significance. Last evaluated: 2024-08-13. Review status: criteria provided, single submitter. Criteria: GeneDx Variant Classification Process June 2021. Collection method: clinical testing. Allele origin: germline. Affected: yes.
Comment: Not observed at significant frequency in large population cohorts (gnomAD); In silico analysis supports that this missense variant has a deleterious effect on protein structure/function; Has not been previously published as pathogenic or benign to our knowledge

Cambridge Genomics Laboratory, East Genomic Laboratory Hub, NHS Genomic Medicine Service
Classification: Uncertain significance for Hypoparathyroidism. Last evaluated: 2019-12-07. Review status: criteria provided, single submitter. Criteria: ACGS Best Practice Guidelines for Variant Classification in Rare Disease 2020. Collection method: clinical testing. Allele origin: germline. Affected: yes. Observed: 1 variant allele.